The following is an entry in ClinVar:

ClinVar aggregate classification (germline): Uncertain significance (1 of 4 stars; one submission).

Conditions:
Charcot-Marie-Tooth disease axonal type 2V. Also called: CHARCOT-MARIE-TOOTH NEUROPATHY, TYPE 2V; CHARCOT-MARIE-TOOTH DISEASE, AXONAL, AUTOSOMAL DOMINANT, TYPE 2V. Identifiers: Orphanet 447964, MedGen C5569050, MONDO:0014665, OMIM 616491.
Mucopolysaccharidosis, MPS-III-B (MPS3B). Also called: N-ACETYL-ALPHA-D-GLUCOSAMINIDASE DEFICIENCY; NAGLU DEFICIENCY; SANFILIPPO SYNDROME B; MPS III B; MUCOPOLYSACCHARIDOSIS, TYPE IIIB; MPS IIIB (Sanfilippo Syndrome Type B). Identifiers: Orphanet 79270, MedGen C0086648, MONDO:0009656, OMIM 252920.

Submission:

Labcorp Genetics (formerly Invitae), Labcorp
Classification: Uncertain significance for Charcot-Marie-Tooth disease axonal type 2V; Mucopolysaccharidosis, MPS-III-B. Last evaluated: 2022-04-16. Review status: criteria provided, single submitter. Criteria: Invitae Variant Classification Sherloc (09022015). Collection method: clinical testing. Allele origin: germline.
Comment: This sequence change replaces proline, which is neutral and non-polar, with leucine, which is neutral and non-polar, at codon 286 of the NAGLU protein (p.Pro286Leu). This variant is not present in population databases (gnomAD no frequency). This variant has not been reported in the literature in individuals affected with NAGLU-related conditions. Advanced modeling of protein sequence and biophysical properties (such as structural, functional, and spatial information, amino acid conservation, physicochemical variation, residue mobility, and thermodynamic stability) performed at Invitae indicates that this missense variant is expected to disrupt NAGLU protein function. In summary, the available evidence is currently insufficient to determine the role of this variant in disease. Therefore, it has been classified as a Variant of Uncertain Significance.

NM_000263.4(NAGLU):c.857C>T (p.Pro286Leu)

Gene: NAGLU (N-acetyl-alpha-glucosaminidase; plus strand). Cytogenetic location: 17q21.2.
Variant type: single nucleotide variant.
Coding change: c.857C>T on transcript NM_000263.4 (MANE Select); coding-DNA position 857, C replaced by T.
Protein change: p.Pro286Leu; replaces proline 286 with leucine.
Molecular consequence: missense variant.
Genome position (GRCh38, 1-based): chr17:42,541,042, C>T. VCF-style: chr17-42541042-C-T. GRCh37 (hg19) VCF-style: chr17-40693060-C-T.
Other names: short protein forms P286L.
Identifiers: ClinVar variation 2061899 (VCV002061899.1), dbSNP rs2510656429, ClinGen allele CA399600051.